The following is an entry in ClinVar:

ClinVar aggregate classification (germline): Conflicting classifications of pathogenicity. Review status: criteria provided, conflicting classifications (1 of 4 stars). 6 submissions from 6 submitters: Uncertain significance (5); Likely benign (1). Last evaluated 2026-07-08.

Conditions:
SCN11A-related disorder. Also called: SCN11A-related condition.
Inborn genetic diseases. Identifiers: MedGen C0950123, MeSH D030342.
Hereditary sensory and autonomic neuropathy type 7. Also called: HSAN VII; Neuropathy, hereditary sensory and autonomic, type VII. Identifiers: Orphanet 391397, MedGen C3809882, MONDO:0014244, OMIM 615548.
Familial episodic pain syndrome with predominantly lower limb involvement. Also called: Episodic pain syndrome, familial, 3. Identifiers: Orphanet 391384, Orphanet 391392, MedGen C3809899, MONDO:0014247, OMIM 615552.

Allele frequency attached by ClinVar (database versions not stated): gnomAD exomes 0.00001 and 0.00005; gnomAD 0.00002; TOPMed 0.00002.
gnomAD v4.1: 83 of 1,613,980 alleles (0.0051%); highest among the groups gnomAD compares: Non-Finnish European, 0.0068%; no homozygotes.

Submissions (6):

PreventionGenetics, part of Exact Sciences
Classification: Uncertain significance for SCN11A-related condition. Last evaluated: 2026-07-08. Review status: criteria provided, single submitter. Criteria: ACMG Guidelines, 2015. Collection method: clinical testing. Allele origin: germline.
Comment: The SCN11A c.1765A>G variant is predicted to result in the amino acid substitution p.Ile589Val. To our knowledge, this variant has not been reported in the literature. This variant is reported in 0.0018% of alleles in individuals of European (Non-Finnish) descent in gnomAD. At this time, the clinical significance of this variant is uncertain due to the absence of conclusive functional and genetic evidence.

Labcorp Genetics (formerly Invitae), Labcorp
Classification: Uncertain significance for Familial episodic pain syndrome with predominantly lower limb involvement; Hereditary sensory and autonomic neuropathy type 7. Last evaluated: 2025-06-06. Review status: criteria provided, single submitter. Criteria: Invitae Variant Classification Sherloc (09022015). Collection method: clinical testing. Allele origin: germline.
Comment: This sequence change replaces isoleucine, which is neutral and non-polar, with valine, which is neutral and non-polar, at codon 589 of the SCN11A protein (p.Ile589Val). This variant is present in population databases (no rsID available, gnomAD 0.002%). This variant has not been reported in the literature in individuals affected with SCN11A-related conditions. ClinVar contains an entry for this variant (Variation ID: 423416). Invitae Evidence Modeling of protein sequence and biophysical properties (such as structural, functional, and spatial information, amino acid conservation, physicochemical variation, residue mobility, and thermodynamic stability) indicates that this missense variant is not expected to disrupt SCN11A protein function with a negative predictive value of 80%. In summary, the available evidence is currently insufficient to determine the role of this variant in disease. Therefore, it has been classified as a Variant of Uncertain Significance.

CeGaT Center for Human Genetics Tuebingen
Classification: Likely benign. Last evaluated: 2025-02-01. Review status: criteria provided, single submitter. Criteria: CeGaT Center For Human Genetics Tuebingen Variant Classification Criteria Version 2. Collection method: clinical testing. Allele origin: germline. Affected: yes. Observed: 2 variant alleles.
Comment: SCN11A: BS2

Blueprint Genetics
Classification: Uncertain significance. Last evaluated: 2021-01-15. Review status: criteria provided, single submitter. Criteria: ACMG Guidelines, 2015. Collection method: clinical testing. Allele origin: germline.

Ambry Genetics
Classification: Uncertain significance for Inborn genetic diseases. Last evaluated: 2020-08-04. Review status: criteria provided, single submitter. Criteria: Ambry Variant Classification Scheme 2023. Collection method: clinical testing. Allele origin: germline.
Comment: The p.I589V variant (also known as c.1765A>G), located in coding exon 12 of the SCN11A gene, results from an A to G substitution at nucleotide position 1765. The isoleucine at codon 589 is replaced by valine, an amino acid with highly similar properties. This amino acid position is not well conserved in available vertebrate species, and valine is the reference amino acid in other vertebrate species. In addition, this alteration is predicted to be tolerated by in silico analysis. Since supporting evidence is limited at this time, the clinical significance of this alteration remains unclear.

GeneDx
Classification: Uncertain significance. Last evaluated: 2017-02-15. Review status: criteria provided, single submitter. Criteria: GeneDx Variant Classification (06012015). Collection method: clinical testing. Allele origin: germline. Affected: yes.
Comment: The I589V variant in the SCN11A gene has not been reported previously as a pathogenic variant, nor as a benign variant, to our knowledge.This variant is not observed in large population cohorts (Lek et al., 2016; 1000 Genomes Consortium et al., 2015; Exome Variant Server). The I589V variant is a conservative amino acid substitution, which is not likely to impact secondary protein structure as these residues share similar properties. This substitution occurs at a position where amino acids with similar properties to Isoleucine are tolerated across species. In silico analysis predicts this variant likely does not alter the protein structure/function. Based on currently available evidence, we interpret I589V as a variant of uncertain significance, which may be related to the muscle weakness and pain reported in this individual.

NM_001349253.2(SCN11A):c.1765A>G (p.Ile589Val)

Gene: SCN11A (sodium voltage-gated channel alpha subunit 11; minus strand). Cytogenetic location: 3p22.2.
Variant type: single nucleotide variant.
Coding change: c.1765A>G on transcript NM_001349253.2 (MANE Select); coding-DNA position 1765, A replaced by G.
Protein change: p.Ile589Val; replaces isoleucine 589 with valine.
Molecular consequence: missense variant.
Genome position (GRCh38, 1-based): chr3:38,903,942, T>C on the plus strand (A>G on the coding strand, the complement: SCN11A is on the minus strand). VCF-style: chr3-38903942-T-C. GRCh37 (hg19) VCF-style: chr3-38945433-T-C.
Other names: c.1765A>G, p.Ile589Val (NM_014139.3); short protein forms I589V.
Identifiers: ClinVar variation 423416 (VCV000423416.47), dbSNP rs1050521607, ClinGen allele CA16617960.